The following is an entry in ClinVar:

ClinVar aggregate classification (germline): Benign (1 of 4 stars; one submission).

Conditions:
Cataract 14 multiple types. Also called: CATARACT 14, ZONULAR PULVERULENT; CATARACT 14, NUCLEAR PULVERULENT; CATARACT 14, NUCLEAR PULVERULENT AND POSTERIOR POLAR; CATARACT 14, NUCLEAR CORALLIFORM; CATARACT 14, EMBRYONAL NUCLEAR; CATARACT 14, COPPOCK-LIKE. Identifiers: Orphanet 91492, MedGen C1866078, MONDO:0011162, OMIM 601885.

Allele frequency attached by ClinVar (database versions not stated): 1000 Genomes Project 30x 0.00078; TOPMed 0.00097; 1000 Genomes Project 0.00060; gnomAD 0.00143 and 0.00146.

Submission:

Illumina Laboratory Services, Illumina
Classification: Benign for Cataract 14 multiple types. Last evaluated: 2018-01-12. Review status: criteria provided, single submitter. Criteria: ICSL Variant Classification Criteria 13 December 2019. Collection method: clinical testing. Allele origin: germline.
Comment: This variant was observed in the ICSL laboratory as part of a predisposition screen in an ostensibly healthy population. It had not been previously curated by ICSL or reported in the Human Gene Mutation Database (HGMD: prior to June 1st, 2018), and was therefore a candidate for classification through an automated scoring system. Utilizing variant allele frequency, disease prevalence and penetrance estimates, and inheritance mode, an automated score was calculated to assess if this variant is too frequent to cause the disease. Based on the score and internal cut-off values, a variant classified as benign is not then subjected to further curation. The score for this variant resulted in a classification of benign for this disease.

NM_021954.4(GJA3):c.-60G>A

Gene: GJA3 (gap junction protein alpha 3; minus strand). Cytogenetic location: 13q12.11.
Variant type: single nucleotide variant.
Coding change: c.-60G>A on transcript NM_021954.4 (MANE Select); 60 bases upstream of the start codon, G replaced by A.
Molecular consequence: 5 prime UTR variant.
Genome position (GRCh38, 1-based): chr13:20,160,932, C>T on the plus strand (G>A on the coding strand, the complement: GJA3 is on the minus strand). VCF-style: chr13-20160932-C-T. GRCh37 (hg19) VCF-style: chr13-20735071-C-T.
Identifiers: ClinVar variation 311351 (VCV000311351.5), dbSNP rs533095023, ClinGen allele CA10633956.